The following is an entry in ClinVar:

ClinVar aggregate classification (germline): Uncertain significance (1 of 4 stars; one submission).

Conditions:
Encephalopathy, acute, infection-induced (herpes-specific), susceptibility to, 1. Also called: Herpes simplex encephalitis, susceptibility to, 1. Identifiers: Orphanet 1930, MedGen C2750180, MONDO:0024563, OMIM 610551.

gnomAD v4.1: 1 of 1,602,244 alleles (0.000062%); highest among the groups gnomAD compares: Non-Finnish European, 0.000085%; no homozygotes.

Submission:

Labcorp Genetics (formerly Invitae), Labcorp
Classification: Uncertain significance for Encephalopathy, acute, infection-induced (herpes-specific), susceptibility to, 1. Last evaluated: 2024-07-22. Review status: criteria provided, single submitter. Criteria: Invitae Variant Classification Sherloc (09022015). Collection method: clinical testing. Allele origin: germline.
Comment: This sequence change replaces glutamic acid, which is acidic and polar, with glycine, which is neutral and non-polar, at codon 670 of the TLR3 protein (p.Glu670Gly). This variant is not present in population databases (gnomAD no frequency). This variant has not been reported in the literature in individuals affected with TLR3-related conditions. An algorithm developed to predict the effect of missense changes on protein structure and function outputs the following: PolyPhen-2: "Benign". The glycine amino acid residue is found in multiple mammalian species, which suggests that this missense change does not adversely affect protein function. In summary, the available evidence is currently insufficient to determine the role of this variant in disease. Therefore, it has been classified as a Variant of Uncertain Significance.

NM_003265.3(TLR3):c.2009A>G (p.Glu670Gly)

Gene: TLR3 (toll like receptor 3; plus strand). Cytogenetic location: 4q35.1.
Variant type: single nucleotide variant.
Coding change: c.2009A>G on transcript NM_003265.3 (MANE Select); coding-DNA position 2009, A replaced by G.
Protein change: p.Glu670Gly; replaces glutamic acid 670 with glycine.
Molecular consequence: missense variant.
Genome position (GRCh38, 1-based): chr4:186,083,695, A>G. VCF-style: chr4-186083695-A-G. GRCh37 (hg19) VCF-style: chr4-187004849-A-G.
Other names: short protein forms E670G.
Identifiers: ClinVar variation 3676726 (VCV003676726.2).